The following is an entry in ClinVar:

ClinVar aggregate classification (germline): Uncertain significance. Review status: criteria provided, multiple submitters, no conflicts (2 of 4 stars). 2 submissions from 2 submitters: Uncertain significance (2). Last evaluated 2025-10-07.

Conditions:
CREB3L3-related disorder. Also called: CREB3L3-related condition.

Allele frequency attached by ClinVar (database versions not stated): gnomAD exomes 0.00002 and 0.00005; TOPMed 0.00003; ExAC 0.00004.

Submissions (2):

PreventionGenetics, part of Exact Sciences
Classification: Uncertain significance for CREB3L3-related condition. Last evaluated: 2025-10-07. Review status: criteria provided, single submitter. Criteria: ACMG Guidelines, 2015. Collection method: clinical testing. Allele origin: germline.
Comment: The CREB3L3 c.821G>A variant is predicted to result in the amino acid substitution p.Arg274Gln. This variant locates at the last nucleotide of exon 6, is predicted to alter splicing based on available splicing prediction programs (SpliceAI, Jaganathan et al. 2019. PubMed ID: 30661751). However, such computer prediction programs are imperfect. This variant has been reported in a cohort study with dyslipidemia (Table S4, Dron et al. 2020. PubMed ID: 32041611). This variant is reported in 0.036% of alleles in individuals of Latino descent in gnomAD. At this time, the clinical significance of this variant is uncertain due to the absence of conclusive functional and genetic evidence.

Labcorp Genetics (formerly Invitae), Labcorp
Classification: Uncertain significance. Last evaluated: 2025-02-13. Review status: criteria provided, single submitter. Criteria: Invitae Variant Classification Sherloc (09022015). Collection method: clinical testing. Allele origin: germline.
Comment: This sequence change replaces arginine, which is basic and polar, with glutamine, which is neutral and polar, at codon 274 of the CREB3L3 protein (p.Arg274Gln). This variant also falls at the last nucleotide of exon 6, which is part of the consensus splice site for this exon. This variant is present in population databases (rs762384878, gnomAD 0.04%), and has an allele count higher than expected for a pathogenic variant. This missense change has been observed in individual(s) with dyslipidemia (PMID: 32041611). ClinVar contains an entry for this variant (Variation ID: 1448372). An algorithm developed to predict the effect of missense changes on protein structure and function (PolyPhen-2) suggests that this variant is likely to be disruptive. Variants that disrupt the consensus splice site are a relatively common cause of aberrant splicing (PMID: 17576681, 9536098). Algorithms developed to predict the effect of sequence changes on RNA splicing suggest that this variant may disrupt the consensus splice site. In summary, the available evidence is currently insufficient to determine the role of this variant in disease. Therefore, it has been classified as a Variant of Uncertain Significance.

Literature cited by the submitters: PubMed 32041611 (cited by Labcorp Genetics (formerly Invitae), Labcorp); PubMed 17576681 (cited by Labcorp Genetics (formerly Invitae), Labcorp); PubMed 9536098 (cited by Labcorp Genetics (formerly Invitae), Labcorp).

NM_032607.3(CREB3L3):c.821G>A (p.Arg274Gln)

Gene: CREB3L3 (cAMP responsive element binding protein 3 like 3; plus strand). Cytogenetic location: 19p13.3.
Variant type: single nucleotide variant.
Coding change: c.821G>A on transcript NM_032607.3 (MANE Select); coding-DNA position 821, G replaced by A.
Protein change: p.Arg274Gln; replaces arginine 274 with glutamine.
Molecular consequence: missense variant. On other transcripts: intron variant (1).
Genome position (GRCh38, 1-based): chr19:4,168,457, G>A. VCF-style: chr19-4168457-G-A. GRCh37 (hg19) VCF-style: chr19-4168454-G-A.
Other names: c.818G>A, p.Arg273Gln (NM_001271995.2); c.815G>A, p.Arg272Gln (NM_001271996.2); c.715-1683G>A (NM_001271997.2); c.821G>A (NM_032607.2); short protein forms R272Q, R273Q, R274Q.
Identifiers: ClinVar variation 1448372 (VCV001448372.7), dbSNP rs762384878, ClinGen allele CA9091472.